The following is an entry in ClinVar:

ClinVar aggregate classification (germline): Likely pathogenic (1 of 4 stars; one submission).

Conditions:
Nephronophthisis. Also called: Juvenile Nephronophthisis. Identifiers: Orphanet 655, MedGen C0687120, MONDO:0019005, HP:0000090.

Allele frequency attached by ClinVar (database versions not stated): gnomAD exomes below 0.00001.
gnomAD v4.1: 1 of 1,597,300 alleles (0.000063%); highest among the groups gnomAD compares: Non-Finnish European, 0.000085%; no homozygotes.

Submission:

Labcorp Genetics (formerly Invitae), Labcorp
Classification: Likely pathogenic for Nephronophthisis. Last evaluated: 2023-12-15. Review status: criteria provided, single submitter. Criteria: Invitae Variant Classification Sherloc (09022015). Collection method: clinical testing. Allele origin: germline.
Comment: This sequence change affects an acceptor splice site in intron 6 of the NPHP4 gene. It is expected to disrupt RNA splicing. Variants that disrupt the donor or acceptor splice site typically lead to a loss of protein function (PMID: 16199547), and loss-of-function variants in NPHP4 are known to be pathogenic (PMID: 12205563, 23559409). This variant is not present in population databases (gnomAD no frequency). This variant has not been reported in the literature in individuals affected with NPHP4-related conditions. Algorithms developed to predict the effect of sequence changes on RNA splicing suggest that this variant may disrupt the consensus splice site. In summary, the currently available evidence indicates that the variant is pathogenic, but additional data are needed to prove that conclusively. Therefore, this variant has been classified as Likely Pathogenic.

Literature cited by the submitters: PubMed 16199547; PubMed 12205563; PubMed 23559409.

NM_015102.5(NPHP4):c.674-2A>G

Gene: NPHP4 (nephrocystin 4; minus strand). Cytogenetic location: 1p36.31.
Variant type: single nucleotide variant.
Coding change: c.674-2A>G on transcript NM_015102.5 (MANE Select); the canonical splice acceptor site of the intron before coding-DNA position 674, A replaced by G.
Molecular consequence: splice acceptor variant. On other transcripts: intron variant (1).
Genome position (GRCh38, 1-based): chr1:5,952,838, T>C on the plus strand (A>G on the coding strand, the complement: NPHP4 is on the minus strand). VCF-style: chr1-5952838-T-C. GRCh37 (hg19) VCF-style: chr1-6012898-T-C.
Other names: c.-693-2A>G (NM_001291594.2); c.-556-4587A>G (NM_001291593.2).
Identifiers: ClinVar variation 2703383 (VCV002703383.3), dbSNP rs867255315, ClinGen allele CA17161332.